The following is an entry in ClinVar:

NM_030632.3(ASXL3):c.138-41T>G

Gene: ASXL3 (ASXL transcriptional regulator 3; plus strand). Cytogenetic location: 18q12.1.
Variant type: single nucleotide variant.
Coding change: c.138-41T>G on transcript NM_030632.3 (MANE Select); 41 bases into the intron before coding-DNA position 138, T replaced by G.
Molecular consequence: intron variant.
Genome position (GRCh38, 1-based): chr18:33,644,853, T>G. VCF-style: chr18-33644853-T-G. GRCh37 (hg19) VCF-style: chr18-31224817-T-G.
Identifiers: ClinVar variation 5018725 (VCV005018725.2).

ClinVar aggregate classification (germline): Uncertain significance (1 of 4 stars; one submission).

Conditions:
Bainbridge-Ropers syndrome. Also called: Severe feeding difficulties-failure to thrive-microcephaly due to ASXL3 deficiency syndrome. Identifiers: Orphanet 352577, MedGen C4750837, MONDO:0014205, OMIM 615485.

Submission:

Juno Genomics, Hangzhou Juno Genomics, Inc
Classification: Uncertain significance for Bainbridge-Ropers syndrome. Review status: criteria provided, single submitter. Criteria: ACMG Guidelines, 2015. Collection method: clinical testing. Allele origin: germline.
Comment: Absent from controls (or at extremely low frequency if recessive) in Genome Aggregation Database.;Multiple lines of computational evidence support a deleterious effect on the gene or gene product.